The following is an entry in ClinVar:

ClinVar aggregate classification (germline): Uncertain significance (1 of 4 stars; one submission).

Conditions:
Arrhythmogenic cardiomyopathy with wooly hair and keratoderma. Also called: Carvajal syndrome; Arrhythmogenic cardiomyopathy with woolly hair and keratoderma; Dilated cardiomyopathy with woolly hair and keratoderma; PALMOPLANTAR KERATODERMA WITH LEFT VENTRICULAR CARDIOMYOPATHY AND WOOLLY HAIR. Identifiers: Orphanet 65282, MedGen C1854063, MONDO:0011581, OMIM 605676.
Arrhythmogenic right ventricular dysplasia 8 (ARVD8). Also called: ARRHYTHMOGENIC RIGHT VENTRICULAR DYSPLASIA, FAMILIAL, 8; Arrhythmogenic Right Ventricular Dysplasia/Cardiomyopathy 8; ARRHYTHMOGENIC RIGHT VENTRICULAR CARDIOMYOPATHY 8. Identifiers: MedGen C1843896, MONDO:0011831, OMIM 607450.

Allele frequency attached by ClinVar (database versions not stated): gnomAD exomes below 0.00001; TOPMed below 0.00001.

Submission:

Labcorp Genetics (formerly Invitae), Labcorp
Classification: Uncertain significance for Arrhythmogenic cardiomyopathy with wooly hair and keratoderma; Arrhythmogenic right ventricular dysplasia 8. Last evaluated: 2021-11-22. Review status: criteria provided, single submitter. Criteria: Invitae Variant Classification Sherloc (09022015). Collection method: clinical testing. Allele origin: germline.
Comment: In summary, the available evidence is currently insufficient to determine the role of this variant in disease. Therefore, it has been classified as a Variant of Uncertain Significance. Algorithms developed to predict the effect of missense changes on protein structure and function are either unavailable or do not agree on the potential impact of this missense change (SIFT: "Deleterious"; PolyPhen-2: "Benign"; Align-GVGD: "Class C25"). This variant has not been reported in the literature in individuals affected with DSP-related conditions. This variant is not present in population databases (gnomAD no frequency). This sequence change replaces isoleucine, which is neutral and non-polar, with valine, which is neutral and non-polar, at codon 1749 of the DSP protein (p.Ile1749Val).

NM_004415.4(DSP):c.5245A>G (p.Ile1749Val)

Gene: DSP (desmoplakin; plus strand). Cytogenetic location: 6p24.3.
Variant type: single nucleotide variant.
Coding change: c.5245A>G on transcript NM_004415.4 (MANE Select); coding-DNA position 5245, A replaced by G.
Protein change: p.Ile1749Val; replaces isoleucine 1749 with valine.
Molecular consequence: missense variant. On other transcripts: intron variant (2).
Genome position (GRCh38, 1-based): chr6:7,581,435, A>G. VCF-style: chr6-7581435-A-G. GRCh37 (hg19) VCF-style: chr6-7581668-A-G.
Other names: c.4050+1195A>G (NM_001319034.2); c.3583-1207A>G (NM_001008844.3); short protein forms I1749V.
Identifiers: ClinVar variation 1472541 (VCV001472541.6), dbSNP rs1279085997, ClinGen allele CA362688172.